The following is an entry in ClinVar:

NM_001042750.2(STAG2):c.3005T>C (p.Ile1002Thr)

Gene: STAG2 (STAG2 cohesin complex component; plus strand). Cytogenetic location: Xq25.
Variant type: single nucleotide variant.
Coding change: c.3005T>C on transcript NM_001042750.2 (MANE Select); coding-DNA position 3005, T replaced by C.
Protein change: p.Ile1002Thr; replaces isoleucine 1002 with threonine.
Molecular consequence: missense variant.
Genome position (GRCh38, 1-based): chrX:124,083,501, T>C. VCF-style: chrX-124083501-T-C. GRCh37 (hg19) VCF-style: chrX-123217351-T-C.
Other names: c.3005T>C, p.Ile1002Thr (NM_001042749.2, NM_001042751.2, NM_001282418.2 and 13 more transcripts); short protein forms I1002T.
Identifiers: ClinVar variation 2756292 (VCV002756292.3), dbSNP rs2522328442, ClinGen allele CA414280581.

ClinVar aggregate classification (germline): Uncertain significance (1 of 4 stars; one submission).

Submission:

Labcorp Genetics (formerly Invitae), Labcorp
Classification: Uncertain significance. Last evaluated: 2023-06-02. Review status: criteria provided, single submitter. Criteria: Invitae Variant Classification Sherloc (09022015). Collection method: clinical testing. Allele origin: germline.
Comment: This variant is not present in population databases (gnomAD no frequency). This variant has not been reported in the literature in individuals affected with STAG2-related conditions. Advanced modeling of protein sequence and biophysical properties (such as structural, functional, and spatial information, amino acid conservation, physicochemical variation, residue mobility, and thermodynamic stability) performed at Invitae indicates that this missense variant is not expected to disrupt STAG2 protein function. In summary, the available evidence is currently insufficient to determine the role of this variant in disease. Therefore, it has been classified as a Variant of Uncertain Significance. This sequence change replaces isoleucine, which is neutral and non-polar, with threonine, which is neutral and polar, at codon 1002 of the STAG2 protein (p.Ile1002Thr).